The following is an entry in ClinVar:

NM_005148.4(UNC119):c.89_92dup (p.Pro32fs)

Genes: UNC119 (unc-119 lipid binding chaperone; minus strand), LOC130060555 (ATAC-STARR-seq lymphoblastoid silent region 8343; plus strand). Cytogenetic location: 17q11.2.
Variant type: Duplication.
Coding change: c.89_92dup on transcript NM_005148.4 (MANE Select); coding-DNA positions 89 to 92, 4 bases duplicated (AGCC; older notation c.89_92dupAGCC).
Protein change: p.Pro32fs; shifts the reading frame from proline 32.
Molecular consequence: frameshift variant. On other transcripts: 5 prime UTR variant (1).
Genome position (GRCh38, 1-based): chr17:28,552,466-28,552,469, GGCT duplicated on the plus strand (AGCC on the coding strand, the reverse complement: UNC119 is on the minus strand); duplicating any 4 consecutive bases within chr17:28,552,466-28,552,470 gives the same sequence; the c. name uses the placement nearest the transcript's 3' end. VCF-style (leftmost placement, unchanged base first): chr17-28552465-C-CGGCT. GRCh37 (hg19) VCF-style: chr17-26879483-C-CGGCT.
Other names: c.-225_-222dup (NM_001330166.2); c.89_92dup, p.Pro32fs (NM_054035.2); short protein forms P32fs.
Identifiers: ClinVar variation 2017950 (VCV002017950.4), dbSNP rs2508475235, ClinGen allele CA2580092734.
Genomic context (GRCh38, chr17:28,552,465, plus strand): 5'-CGGCCTGGGCCCTGGGCCTGCGTCCGGCTCCGACTCGGACCCAGATTCGGATTCCGCAGG[C>CGGCT]GGCTGTGGTATGGGGGCCACGCTCTGGCCCGAGGGCCCCGGAGCGGACTCCGTCGCCGTC-3'

ClinVar aggregate classification (germline): Uncertain significance (1 of 4 stars; one submission).

Submission:

Labcorp Genetics (formerly Invitae), Labcorp
Classification: Uncertain significance. Last evaluated: 2022-07-19. Review status: criteria provided, single submitter. Criteria: Invitae Variant Classification Sherloc (09022015). Collection method: clinical testing. Allele origin: germline.
Comment: This variant is not present in population databases (gnomAD no frequency). In summary, the available evidence is currently insufficient to determine the role of this variant in disease. Therefore, it has been classified as a Variant of Uncertain Significance. This variant has not been reported in the literature in individuals affected with UNC119-related conditions. This sequence change creates a premature translational stop signal (p.Pro32Alafs*44) in the UNC119 gene. It is expected to result in an absent or disrupted protein product. However, the current clinical and genetic evidence is not sufficient to establish whether loss-of-function variants in UNC119 cause disease.